The following is an entry in ClinVar:

ClinVar aggregate classification (germline): Uncertain significance (1 of 4 stars; one submission).

gnomAD v4.1: 7 of 1,607,302 alleles (0.00044%); highest among the groups gnomAD compares: African/African-American, 0.0094%; no homozygotes.

Submission:

Labcorp Genetics (formerly Invitae), Labcorp
Classification: Uncertain significance. Last evaluated: 2025-01-07. Review status: criteria provided, single submitter. Criteria: Invitae Variant Classification Sherloc (09022015). Collection method: clinical testing. Allele origin: germline.
Comment: This sequence change replaces arginine, which is basic and polar, with leucine, which is neutral and non-polar, at codon 8 of the SNIP1 protein (p.Arg8Leu). The frequency data for this variant in the population databases is considered unreliable, as metrics indicate poor data quality at this position in the gnomAD database. This variant has not been reported in the literature in individuals affected with SNIP1-related conditions. An algorithm developed to predict the effect of missense changes on protein structure and function (PolyPhen-2) suggests that this variant is likely to be tolerated. In summary, the available evidence is currently insufficient to determine the role of this variant in disease. Therefore, it has been classified as a Variant of Uncertain Significance.

NM_024700.4(SNIP1):c.23G>T (p.Arg8Leu)

Gene: SNIP1 (Smad nuclear interacting protein 1; minus strand). Cytogenetic location: 1p34.3.
Variant type: single nucleotide variant.
Coding change: c.23G>T on transcript NM_024700.4 (MANE Select); coding-DNA position 23, G replaced by T.
Protein change: p.Arg8Leu; replaces arginine 8 with leucine.
Molecular consequence: missense variant.
Genome position (GRCh38, 1-based): chr1:37,554,207, C>A on the plus strand (G>T on the coding strand, the complement: SNIP1 is on the minus strand). VCF-style: chr1-37554207-C-A. GRCh37 (hg19) VCF-style: chr1-38019808-C-A.
Other names: short protein forms R8L.
Identifiers: ClinVar variation 3705031 (VCV003705031.2).